The following is an entry in ClinVar:

NM_001846.4(COL4A2):c.4454G>T (p.Ser1485Ile)

Genes: COL4A2 (collagen type IV alpha 2 chain; plus strand), COL4A2-AS1 (COL4A2 antisense RNA 1; minus strand). Cytogenetic location: 13q34.
Variant type: single nucleotide variant.
Coding change: c.4454G>T on transcript NM_001846.4 (MANE Select); coding-DNA position 4454, G replaced by T.
Protein change: p.Ser1485Ile; replaces serine 1485 with isoleucine.
Molecular consequence: missense variant.
Genome position (GRCh38, 1-based): chr13:110,506,466, G>T. VCF-style: chr13-110506466-G-T. GRCh37 (hg19) VCF-style: chr13-111158813-G-T.
Other names: short protein forms S1485I.
Identifiers: ClinVar variation 3365649 (VCV003365649.1).

ClinVar aggregate classification (germline): Uncertain significance (1 of 4 stars; one submission).

Submission:

GeneDx
Classification: Uncertain significance. Last evaluated: 2023-12-18. Review status: criteria provided, single submitter. Criteria: GeneDx Variant Classification Process June 2021. Collection method: clinical testing. Allele origin: germline. Affected: yes.
Comment: Has not been previously published as pathogenic or benign to our knowledge; Not observed at significant frequency in large population cohorts (gnomAD); In silico analysis supports that this missense variant has a deleterious effect on protein structure/function